The following is an entry in ClinVar:

ClinVar aggregate classification (germline): Uncertain significance. Review status: criteria provided, multiple submitters, no conflicts (2 of 4 stars). 2 submissions from 2 submitters: Uncertain significance (2). Last evaluated 2025-04-13.

Conditions:
Congenital hypothalamic hamartoma syndrome. Also called: PALLISTER-HALL-LIKE SYNDROME. Identifiers: MedGen C5435677, MONDO:0009436, OMIM 241800.
Inborn genetic diseases. Identifiers: MedGen C0950123, MeSH D030342.

Allele frequency attached by ClinVar (database versions not stated): gnomAD exomes 0.00001; gnomAD 0.00012; TOPMed 0.00013.
gnomAD v4.1: 28 of 1,537,330 alleles (0.0018%); highest among the groups gnomAD compares: African/African-American, 0.025%; no homozygotes.

Submissions (2):

Ambry Genetics
Classification: Uncertain significance for Inborn genetic diseases. Last evaluated: 2025-04-13. Review status: criteria provided, single submitter. Criteria: Ambry Variant Classification Scheme 2023. Collection method: clinical testing. Allele origin: germline.

Clinical Genomics Laboratory, Washington University in St. Louis
Classification: Uncertain significance for Congenital hypothalamic hamartoma syndrome. Last evaluated: 2024-04-19. Review status: criteria provided, single submitter. Criteria: ACMG Guidelines, 2015. Collection method: clinical testing. Allele origin: germline.
Comment: The SMO c.244G>C (p.Val82Leu) variant was identified at a near heterozygous allelic fraction of 47.8%, a frequency which may be consistent with it being of germline origin. Computational predictors suggest that the variant does not impact SMO function. This variant is observed on 28/1,537,330 alleles in the general population (gnomAD v4.0.0). Due to limited information, and based on ACMG/AMP guidelines for variant interpretation (Richards S et al., PMID: 25741868), the clinical significance of this variant is uncertain at this time.

NM_005631.5(SMO):c.244G>C (p.Val82Leu)

Gene: SMO (smoothened, frizzled class receptor; plus strand). Cytogenetic location: 7q32.1.
Variant type: single nucleotide variant.
Coding change: c.244G>C on transcript NM_005631.5 (MANE Select); coding-DNA position 244, G replaced by C.
Protein change: p.Val82Leu; replaces valine 82 with leucine.
Molecular consequence: missense variant.
Genome position (GRCh38, 1-based): chr7:129,189,395, G>C. VCF-style: chr7-129189395-G-C. GRCh37 (hg19) VCF-style: chr7-128829236-G-C.
Other names: c.244G>C (NM_005631.4); short protein forms V82L.
Identifiers: ClinVar variation 3237435 (VCV003237435.2), dbSNP rs980121505.